The following is an entry in ClinVar:

NM_177438.3(DICER1):c.906A>G (p.Ile302Met)

Gene: DICER1 (dicer 1, ribonuclease III; minus strand). Cytogenetic location: 14q32.13.
Variant type: single nucleotide variant.
Coding change: c.906A>G on transcript NM_177438.3 (MANE Select); coding-DNA position 906, A replaced by G.
Protein change: p.Ile302Met; replaces isoleucine 302 with methionine.
Molecular consequence: missense variant. On other transcripts: 5 prime UTR variant (1), non-coding transcript variant (6).
Genome position (GRCh38, 1-based): chr14:95,124,666, T>C on the plus strand (A>G on the coding strand, the complement: DICER1 is on the minus strand). VCF-style: chr14-95124666-T-C. GRCh37 (hg19) VCF-style: chr14-95591003-T-C.
Other names: c.906A>G, p.Ile302Met (NM_001195573.1, NM_001271282.3, NM_001291628.2 and 15 more transcripts); c.624A>G, p.Ile208Met (NM_001395686.1); c.501A>G, p.Ile167Met (NM_001395687.1, NM_001395688.1, NM_001395689.1 and 3 more transcripts); c.339A>G, p.Ile113Met (NM_001395691.1); c.-663A>G (NM_001395697.1); short protein forms I167M, I208M, I113M, I302M.
Identifiers: ClinVar variation 2721588 (VCV002721588.4), dbSNP rs1016793295, ClinGen allele CA265923568.
Genomic context (GRCh38, chr14:95,124,666, plus strand): 5'-AGCTACTTTATCTGCACACCAGGGTCCCAGAACTACCAATACGGCACGACAGTCTGATAG[T>C]ATCTACAAAAAAAAGAAAAGAAAAAACCTAATGCCAAATAATAATAATGTAGCATTTTCA-3'
Protein context (NP_803187.1, residues 292-312): ERDSTLISKQ[Ile302Met]LSDCRAVLVV

ClinVar aggregate classification (germline): Uncertain significance. Review status: criteria provided, multiple submitters, no conflicts (2 of 4 stars). 2 submissions from 2 submitters: Uncertain significance (2). Last evaluated 2025-03-30.

Conditions:
DICER1-related tumor predisposition. Also called: DICER1-related pleuropulmonary blastoma cancer predisposition syndrome; DICER1 syndrome. Identifiers: Orphanet 284343, MedGen C3839822, MONDO:0100216.
Hereditary cancer-predisposing syndrome. Also called: Hereditary neoplastic syndrome; Neoplastic Syndromes, Hereditary; Hereditary Cancer Syndrome; Tumor predisposition. Identifiers: Orphanet 140162, MedGen C0027672, MeSH D009386, MONDO:0015356.

Allele frequency attached by ClinVar (database versions not stated): gnomAD exomes below 0.00001.
gnomAD v4.1: 1 of 1,610,650 alleles (0.000062%); highest among the groups gnomAD compares: Non-Finnish European, 0.000085%; no homozygotes.

Submissions (2):

Labcorp Genetics (formerly Invitae), Labcorp
Classification: Uncertain significance for DICER1-related tumor predisposition. Last evaluated: 2025-03-30. Review status: criteria provided, single submitter. Criteria: Invitae Variant Classification Sherloc (09022015). Collection method: clinical testing. Allele origin: germline.
Comment: This sequence change replaces isoleucine, which is neutral and non-polar, with methionine, which is neutral and non-polar, at codon 302 of the DICER1 protein (p.Ile302Met). This variant is not present in population databases (gnomAD no frequency). This variant has not been reported in the literature in individuals affected with DICER1-related conditions. ClinVar contains an entry for this variant (Variation ID: 2721588). Invitae Evidence Modeling of protein sequence and biophysical properties (such as structural, functional, and spatial information, amino acid conservation, physicochemical variation, residue mobility, and thermodynamic stability) indicates that this missense variant is not expected to disrupt DICER1 protein function with a negative predictive value of 95%. In summary, the available evidence is currently insufficient to determine the role of this variant in disease. Therefore, it has been classified as a Variant of Uncertain Significance.

Ambry Genetics
Classification: Uncertain significance for Hereditary cancer-predisposing syndrome. Last evaluated: 2024-03-04. Review status: criteria provided, single submitter. Criteria: Ambry Variant Classification Scheme 2023. Collection method: clinical testing. Allele origin: germline.
Comment: The p.I302M variant (also known as c.906A>G), located in coding exon 7 of the DICER1 gene, results from an A to G substitution at nucleotide position 906. The isoleucine at codon 302 is replaced by methionine, an amino acid with highly similar properties. This amino acid position is conserved. In addition, this alteration is predicted to be tolerated by in silico analysis. Based on the available evidence, the clinical significance of this alteration remains unclear.